The following is an entry in ClinVar:

NM_004247.4(EFTUD2):c.670G>A (p.Gly224Arg)

Gene: EFTUD2 (elongation factor Tu GTP binding domain containing 2; minus strand). Cytogenetic location: 17q21.31.
Variant type: single nucleotide variant.
Coding change: c.670G>A on transcript NM_004247.4 (MANE Select); coding-DNA position 670, G replaced by A.
Protein change: p.Gly224Arg; replaces glycine 224 with arginine.
Molecular consequence: missense variant.
Genome position (GRCh38, 1-based): chr17:44,879,588, C>T on the plus strand (G>A on the coding strand, the complement: EFTUD2 is on the minus strand). VCF-style: chr17-44879588-C-T. GRCh37 (hg19) VCF-style: chr17-42956956-C-T.
Other names: c.565G>A, p.Gly189Arg (NM_001142605.2); c.670G>A, p.Gly224Arg (NM_001258353.2); c.640G>A, p.Gly214Arg (NM_001258354.2); short protein forms G189R, G214R, G224R.
Identifiers: ClinVar variation 3062071 (VCV003062071.4), dbSNP rs2508819919, ClinGen allele CA399821865.

ClinVar aggregate classification (germline): Conflicting classifications of pathogenicity. Review status: criteria provided, conflicting classifications (1 of 4 stars). 2 submissions from 2 submitters: Likely pathogenic (1); Uncertain significance (1). Last evaluated 2017-06-28.

Conditions:
Mandibulofacial dysostosis-microcephaly syndrome (MFDGA). Also called: Growth and mental retardation, mandibulofacial dysostosis, microcephaly, and cleft palate; Mandibulofacial dysostosis, Guion-Almeida type. Identifiers: Orphanet 79113, MedGen C1864652, MONDO:0012516, OMIM 610536.

Submissions (2):

Illumina Laboratory Services, Illumina
Classification: Likely pathogenic for Mandibulofacial dysostosis-microcephaly syndrome. Last evaluated: 2017-06-28. Review status: criteria provided, single submitter. Criteria: ICSLVariantClassificationCriteria RUGD 01 April 2020. Collection method: clinical testing. Allele origin: unknown.
Comment: The EFTUD2 c.670G>A p.(Gly224Arg) missense variant has been identified in an individual with a phenotype consistent with mandibulofacial dysostosis-microcephaly syndrome (Gordon et al. 2012). The Gly224 residue is highly conserved across species. This variant is not observed in version 2.1.1 of the Genome Aggregation Database. Based on the available evidence, the c.670G>A p.(Gly224Arg) variant is classified as likely pathogenic for mandibulofacial dysostosis-microcephaly syndrome.

Neuberg Centre For Genomic Medicine, NCGM
Classification: Uncertain significance for Mandibulofacial dysostosis-microcephaly syndrome. Review status: criteria provided, single submitter. Criteria: ACMG Guidelines, 2015. Collection method: clinical testing. Allele origin: germline. Inheritance: Autosomal dominant inheritance. Affected: yes.